The following is an entry in ClinVar:

ClinVar aggregate classification (germline): Uncertain significance. Review status: criteria provided, multiple submitters, no conflicts (2 of 4 stars). 2 submissions from 2 submitters: Uncertain significance (2). Last evaluated 2024-02-28.

Conditions:
Inborn genetic diseases. Identifiers: MedGen C0950123, MeSH D030342.

Submissions (2):

Ambry Genetics
Classification: Uncertain significance for Inborn genetic diseases. Last evaluated: 2024-02-28. Review status: criteria provided, single submitter. Criteria: Ambry Variant Classification Scheme 2023. Collection method: clinical testing. Allele origin: germline.

Women's Health and Genetics/Laboratory Corporation of America, LabCorp
Classification: Uncertain significance. Last evaluated: 2022-10-06. Review status: criteria provided, single submitter. Criteria: LabCorp Variant Classification Summary - May 2015. Collection method: clinical testing. Allele origin: germline.
Comment: Variant summary: COL4A3BP c.1997C>T (p.Ala666Val) results in a non-conservative amino acid change in the encoded protein sequence. Three of five in-silico tools predict a benign effect of the variant on protein function. The variant was absent in 250130 control chromosomes. The available data on variant occurrences in the general population are insufficient to allow any conclusion about variant significance. To our knowledge, no occurrence of c.1997C>T in individuals affected with Intellectual Disability, Autosomal Dominant 34 and no experimental evidence demonstrating its impact on protein function have been reported. No clinical diagnostic laboratories have submitted clinical-significance assessments for this variant to ClinVar after 2014. Based on the evidence outlined above, the variant was classified as uncertain significance.

NM_001379029.1(CERT1):c.1613C>T (p.Ala538Val)

Gene: CERT1 (ceramide transporter 1; minus strand). Cytogenetic location: 5q13.3.
Variant type: single nucleotide variant.
Coding change: c.1613C>T on transcript NM_001379029.1 (MANE Select); coding-DNA position 1613, C replaced by T.
Protein change: p.Ala538Val; replaces alanine 538 with valine.
Molecular consequence: missense variant.
Genome position (GRCh38, 1-based): chr5:75,381,953, G>A on the plus strand (C>T on the coding strand, the complement: CERT1 is on the minus strand). VCF-style: chr5-75381953-G-A. GRCh37 (hg19) VCF-style: chr5-74677778-G-A.
Other names: c.1997C>T, p.Ala666Val (NM_001130105.1); c.1613C>T, p.Ala538Val (NM_001379002.1, NM_005713.3); c.1535C>T, p.Ala512Val (NM_001379003.1, NM_001379004.1, NM_031361.3); short protein forms A512V, A538V, A666V.
Identifiers: ClinVar variation 1804869 (VCV001804869.2), dbSNP rs2478892773, ClinGen allele CA360139936.